The following is an entry in ClinVar:

ClinVar aggregate classification (germline): Pathogenic (1 of 4 stars; one submission).

Conditions:
Hereditary spastic paraplegia 11. Also called: Spastic paraplegia, mental retardation and thin corpus callosum; Nakamura Osame syndrome; Autosomal recessive hereditary spastic paraplegia, mental impairment, and thin corpus callosum; SPASTIC PARAPLEGIA, AUTOSOMAL RECESSIVE, COMPLICATED, WITH THIN CORPUS CALLOSUM; SPASTIC PARAPLEGIA, AUTOSOMAL RECESSIVE, WITH MENTAL IMPAIRMENT AND THIN CORPUS CALLOSUM; Spastic Paraplegia 11. Identifiers: Orphanet 2822, MedGen C1858479, MONDO:0011445, OMIM 604360.

Allele frequency attached by ClinVar (database versions not stated): TOPMed below 0.00001; gnomAD 0.00001.

Submission:

Labcorp Genetics (formerly Invitae), Labcorp
Classification: Pathogenic for Hereditary spastic paraplegia 11. Last evaluated: 2023-11-30. Review status: criteria provided, single submitter. Criteria: Invitae Variant Classification Sherloc (09022015). Collection method: clinical testing. Allele origin: germline.
Comment: This sequence change creates a premature translational stop signal (p.Gly2069Argfs*3) in the SPG11 gene. It is expected to result in an absent or disrupted protein product. Loss-of-function variants in SPG11 are known to be pathogenic (PMID: 19105190, 20110243, 22154821, 26556829). This variant is present in population databases (no rsID available, gnomAD 0.007%). This variant has not been reported in the literature in individuals affected with SPG11-related conditions. For these reasons, this variant has been classified as Pathogenic.

Literature cited by the submitters: PubMed 19105190; PubMed 20110243; PubMed 22154821; PubMed 26556829.

NM_025137.4(SPG11):c.6203dup (p.Gly2069fs)

Gene: SPG11 (SPG11 vesicle trafficking associated, spatacsin; minus strand). Cytogenetic location: 15q21.1.
Variant type: Duplication.
Coding change: c.6203dup on transcript NM_025137.4 (MANE Select); coding-DNA position 6203, one base duplicated (C; older notation c.6203dupC).
Protein change: p.Gly2069fs; shifts the reading frame from glycine 2069.
Molecular consequence: frameshift variant. On other transcripts: intron variant (1).
Genome position (GRCh38, 1-based): chr15:44,573,549, G duplicated on the plus strand (C on the coding strand, the reverse complement: SPG11 is on the minus strand). VCF-style (leftmost placement, unchanged base first): chr15-44573548-T-TG. GRCh37 (hg19) VCF-style: chr15-44865746-T-TG.
Other names: c.6059dup, p.Gly2021fs (NM_001411132.1); c.5867-729dup (NM_001160227.2); short protein forms G2069fs, G2021fs.
Identifiers: ClinVar variation 2998936 (VCV002998936.3), dbSNP rs1432604396, ClinGen allele CA618005896.